The following is an entry in ClinVar:

NM_001355436.2(SPTB):c.6639_6642dup (p.Leu2215Ter)

Genes: PLEKHG3 (pleckstrin homology and RhoGEF domain containing G3; plus strand), SPTB (spectrin beta, erythrocytic; minus strand). Cytogenetic location: 14q23.3.
Variant type: Duplication.
Coding change: c.6639_6642dup on transcript NM_001355436.2 (MANE Select); coding-DNA positions 6639 to 6642, 4 bases duplicated (TGAG; older notation c.6639_6642dupTGAG).
Protein change: p.Leu2215Ter; replaces leucine 2215 with a stop codon.
Molecular consequence: nonsense. On other transcripts: 3 prime UTR variant (1).
Genome position (GRCh38, 1-based): chr14:64,750,115-64,750,118, CTCA duplicated on the plus strand (TGAG on the coding strand, the reverse complement: SPTB is on the minus strand); duplicating any 4 consecutive bases within chr14:64,750,115-64,750,120 gives the same sequence; the c. name uses the placement nearest the transcript's 3' end. VCF-style (leftmost placement, unchanged base first): chr14-64750114-G-GCTCA. GRCh37 (hg19) VCF-style: chr14-65216832-G-GCTCA.
Other names: c.*6414_*6417dup (NM_001308147.2); c.6639_6642dup, p.Leu2215Ter (NM_001024858.4); short protein forms L2215*.
Identifiers: ClinVar variation 4854523 (VCV004854523.1).

ClinVar aggregate classification (germline): Likely pathogenic (1 of 4 stars; one submission).

Conditions:
Hereditary spherocytosis type 2. Also called: SPHEROCYTOSIS, TYPE 2, AUTOSOMAL DOMINANT. Identifiers: Orphanet 822, MedGen C2674219, MONDO:0000913, OMIM 616649.

Submission:

3billion
Classification: Likely pathogenic for Hereditary spherocytosis type 2. Last evaluated: 2025-10-25. Review status: criteria provided, single submitter. Criteria: ACMG Guidelines, 2015. Collection method: clinical testing. Allele origin: germline. Affected: yes.
Comment: The variant is not observed in the gnomAD v4.1.0 dataset. Predicted Consequence/Location: Stop-gained (nonsense): predicted to result in a loss or disruption of normal protein function through nonsense-mediated decay (NMD) or protein truncation. Multiple pathogenic variants are reported downstream of the variant. Therefore, this variant is classified as Likely pathogenic according to the recommendation of ACMG/AMP guideline.